The following is an entry in ClinVar:

ClinVar aggregate classification (germline): Uncertain significance (1 of 4 stars; one submission).

Submission:

GeneDx
Classification: Uncertain significance. Last evaluated: 2022-12-07. Review status: criteria provided, single submitter. Criteria: GeneDx Variant Classification Process June 2021. Collection method: clinical testing. Allele origin: germline. Affected: yes.
Comment: Not observed at significant frequency in large population cohorts (gnomAD); In-frame deletion of 1 amino acid in a non-repeat region; In silico analysis supports a deleterious effect on protein structure/function; Has not been previously published as pathogenic or benign to our knowledge

NM_001291415.2(KDM6A):c.3322CAT[1] (p.His1109del)

Gene: KDM6A (lysine demethylase 6A; plus strand). Cytogenetic location: Xp11.3.
Variant type: Microsatellite.
Coding change: c.3322CAT[1] on transcript NM_001291415.2 (MANE Select); one copy of the 3-base unit CAT starting at c.3322; the reference has two copies in a row; one copy, 3 bases deleted.
Protein change: p.His1109del; deletes histidine 1109.
Molecular consequence: inframe deletion. On other transcripts: inframe indel (7), non-coding transcript variant (1).
Genome position (GRCh38, 1-based): chrX:45,082,600-45,082,602, CAT deleted; deleting any 3 consecutive bases within chrX:45,082,596-45,082,602 gives the same sequence; the position shown is the placement nearest the transcript's 3' end. VCF-style (leftmost placement, unchanged base first): chrX-45082595-GTCA-G. GRCh37 (hg19) VCF-style: chrX-44941840-GTCA-G.
Other names: c.3187CAT[1], p.His1064del (NM_001291416.2); c.3031CAT[1], p.His1012del (NM_001291417.2); c.2929CAT[1], p.His978del (NM_001291418.2); c.2278CAT[1], p.His761del (NM_001291421.2); c.3064CAT[1], p.His1023del (NM_001410742.1); c.3322_3324CAT[1], p.His1109del (NM_001419809.1); c.3220_3222CAT[1], p.His1075del (NM_001419810.1, NM_001419813.1); c.3187_3189CAT[1], p.His1064del (NM_001419811.1); and 4 more; short protein forms H1012del, H1023del, H1057del, H1064del, H1075del, H1109del, H761del, H978del.
Identifiers: ClinVar variation 2504814 (VCV002504814.1), dbSNP rs2523219499, ClinGen allele CA2580617015.